The following is an entry in ClinVar:

NM_001447.3(FAT2):c.7817A>G (p.Gln2606Arg)

Genes: FAT2 (FAT atypical cadherin 2; minus strand), SLC36A1 (solute carrier family 36 member 1; plus strand). Cytogenetic location: 5q33.1.
Variant type: single nucleotide variant.
Coding change: c.7817A>G on transcript NM_001447.3 (MANE Select); coding-DNA position 7817, A replaced by G.
Protein change: p.Gln2606Arg; replaces glutamine 2606 with arginine.
Molecular consequence: missense variant.
Genome position (GRCh38, 1-based): chr5:151,543,310, T>C on the plus strand (A>G on the coding strand, the complement: FAT2 is on the minus strand). VCF-style: chr5-151543310-T-C. GRCh37 (hg19) VCF-style: chr5-150922871-T-C.
Other names: short protein forms Q2606R.
Identifiers: ClinVar variation 4705401 (VCV004705401.1).

ClinVar aggregate classification (germline): Uncertain significance (1 of 4 stars; one submission).

gnomAD v4.1: 2 of 1,614,198 alleles (0.00012%); highest among the groups gnomAD compares: Admixed American, 0.0033%; no homozygotes.

Submission:

Labcorp Genetics (formerly Invitae), Labcorp
Classification: Uncertain significance. Last evaluated: 2025-09-04. Review status: criteria provided, single submitter. Criteria: Invitae Variant Classification Sherloc (09022015). Collection method: clinical testing. Allele origin: germline.
Comment: This sequence change replaces glutamine, which is neutral and polar, with arginine, which is basic and polar, at codon 2606 of the FAT2 protein (p.Gln2606Arg). This variant is present in population databases (rs749699110, gnomAD 0.006%). This variant has not been reported in the literature in individuals affected with FAT2-related conditions. Invitae Evidence Modeling of protein sequence and biophysical properties (such as structural, functional, and spatial information, amino acid conservation, physicochemical variation, residue mobility, and thermodynamic stability) indicates that this missense variant is not expected to disrupt FAT2 protein function with a negative predictive value of 80%. In summary, the available evidence is currently insufficient to determine the role of this variant in disease. Therefore, it has been classified as a Variant of Uncertain Significance.